The following is an entry in ClinVar:

NM_020822.3(KCNT1):c.3409C>T (p.Arg1137Cys)

Gene: KCNT1 (potassium sodium-activated channel subfamily T member 1; plus strand). Cytogenetic location: 9q34.3.
Variant type: single nucleotide variant.
Coding change: c.3409C>T on transcript NM_020822.3 (MANE Select); coding-DNA position 3409, C replaced by T.
Protein change: p.Arg1137Cys; replaces arginine 1137 with cysteine.
Molecular consequence: missense variant.
Genome position (GRCh38, 1-based): chr9:135,786,428, C>T. VCF-style: chr9-135786428-C-T. GRCh37 (hg19) VCF-style: chr9-138678274-C-T.
Other names: c.3274C>T, p.Arg1092Cys (NM_001272003.2); short protein forms R1137C, R1092C.
Identifiers: ClinVar variation 1401663 (VCV001401663.17), dbSNP rs779430817, ClinGen allele CA5327808.

ClinVar aggregate classification (germline): Conflicting classifications of pathogenicity. Review status: criteria provided, conflicting classifications (1 of 4 stars). 4 submissions from 4 submitters: Uncertain significance (3); Likely benign (1). Last evaluated 2025-10-24.

Conditions:
Developmental and epileptic encephalopathy, 14 (DEE14). Also called: Early infantile epileptic encephalopathy 14. Identifiers: Orphanet 293181, MedGen C3554195, MONDO:0013989, OMIM 614959.
Autosomal dominant nocturnal frontal lobe epilepsy 5. Also called: KCNT1-Related Epilepsy; Epilepsy, nocturnal frontal lobe, 5; CILIARY DYSKINESIA, PRIMARY, 28, WITHOUT SITUS INVERSUS; CILIARY DYSKINESIA, PRIMARY, 28, WITH SITUS INVERSUS. Identifiers: Orphanet 98784, MedGen C3554306, MONDO:0014002, OMIM 615005.
Inborn genetic diseases. Identifiers: MedGen C0950123, MeSH D030342.

Allele frequency attached by ClinVar (database versions not stated): TOPMed 0.00001; gnomAD 0.00002.
gnomAD v4.1: 14 of 1,591,172 alleles (0.00088%); highest among the groups gnomAD compares: Admixed American, 0.01%; no homozygotes.

Submissions (4):

Ambry Genetics
Classification: Likely benign for Inborn genetic diseases. Last evaluated: 2025-10-24. Review status: criteria provided, single submitter. Criteria: Ambry Variant Classification Scheme 2023. Collection method: clinical testing. Allele origin: germline.

Labcorp Genetics (formerly Invitae), Labcorp
Classification: Uncertain significance for Autosomal dominant nocturnal frontal lobe epilepsy 5; Developmental and epileptic encephalopathy, 14. Last evaluated: 2025-09-02. Review status: criteria provided, single submitter. Criteria: Invitae Variant Classification Sherloc (09022015). Collection method: clinical testing. Allele origin: germline.
Comment: This sequence change replaces arginine, which is basic and polar, with cysteine, which is neutral and slightly polar, at codon 1137 of the KCNT1 protein (p.Arg1137Cys). This variant is present in population databases (rs779430817, gnomAD 0.01%). This variant has not been reported in the literature in individuals affected with KCNT1-related conditions. ClinVar contains an entry for this variant (Variation ID: 1401663). Invitae Evidence Modeling of protein sequence and biophysical properties (such as structural, functional, and spatial information, amino acid conservation, physicochemical variation, residue mobility, and thermodynamic stability) indicates that this missense variant is not expected to disrupt KCNT1 protein function with a negative predictive value of 80%. In summary, the available evidence is currently insufficient to determine the role of this variant in disease. Therefore, it has been classified as a Variant of Uncertain Significance.

CeGaT Center for Human Genetics Tuebingen
Classification: Uncertain significance. Last evaluated: 2025-08-01. Review status: criteria provided, single submitter. Criteria: CeGaT Center For Human Genetics Tuebingen Variant Classification Criteria Version 2. Collection method: clinical testing. Allele origin: germline. Affected: yes. Observed: 1 variant allele.

GeneDx
Classification: Uncertain significance. Last evaluated: 2022-04-15. Review status: criteria provided, single submitter. Criteria: GeneDx Variant Classification Process June 2021. Collection method: clinical testing. Allele origin: germline. Affected: yes.
Comment: In silico analysis supports that this missense variant has a deleterious effect on protein structure/function; Has not been previously published as pathogenic or benign to our knowledge